The following is an entry in ClinVar:

NM_001029896.2(WDR45):c.880del (p.Gln294fs)

Gene: WDR45 (WD repeat domain 45; minus strand). Cytogenetic location: Xp11.23.
Variant type: Deletion.
Coding change: c.880del on transcript NM_001029896.2 (MANE Select); coding-DNA position 880, one base deleted (C; older notation c.880delC).
Protein change: p.Gln294fs; shifts the reading frame from glutamine 294.
Molecular consequence: frameshift variant.
Genome position (GRCh38, 1-based): chrX:49,075,229, G deleted on the plus strand (C on the coding strand, the reverse complement: WDR45 is on the minus strand). VCF-style (leftmost placement, unchanged base first): chrX-49075228-TG-T. GRCh37 (hg19) VCF-style: chrX-48932887-TG-T.
Other names: c.883del, p.Gln295fs (NM_007075.4); short protein forms Q295fs, Q294fs.
Identifiers: ClinVar variation 1392173 (VCV001392173.6), dbSNP rs2147814875, ClinGen allele CA2573158950.
Genomic context (GRCh38, chrX:49,075,228, plus strand): 5'-CGACCGAAGGCGCAGATGCAAGCTGACTCAGCAGGCACAGTGAAGCTCGCCAGGCTCCAC[TG>T]AGAGTCCACGTACTGCCCAATCATAGGCCCCACCTTGCCCACGCGAGCCAGCCTGCAGGC-3'

ClinVar aggregate classification (germline): Pathogenic (1 of 4 stars; one submission).

Conditions:
Neurodegeneration with brain iron accumulation 5 (NBIA5). Also called: Beta-propeller protein-associated neurodegeneration; STATIC ENCEPHALOPATHY OF CHILDHOOD WITH NEURODEGENERATION IN ADULTHOOD. Identifiers: Orphanet 329284, MedGen C3550973, MONDO:0010476, OMIM 300894.

Submission:

Labcorp Genetics (formerly Invitae), Labcorp
Classification: Pathogenic for Neurodegeneration with brain iron accumulation 5. Last evaluated: 2022-07-26. Review status: criteria provided, single submitter. Criteria: Invitae Variant Classification Sherloc (09022015). Collection method: clinical testing. Allele origin: germline.
Comment: For these reasons, this variant has been classified as Pathogenic. This variant disrupts a region of the WDR45 protein in which other variant(s) (p.Tyr336Cysfs*5) have been determined to be pathogenic (PMID: 23176820). This suggests that this is a clinically significant region of the protein, and that variants that disrupt it are likely to be disease-causing. ClinVar contains an entry for this variant (Variation ID: 1392173). This variant has not been reported in the literature in individuals affected with WDR45-related conditions. This variant is not present in population databases (gnomAD no frequency). This sequence change creates a premature translational stop signal (p.Gln295Serfs*35) in the WDR45 gene. While this is not anticipated to result in nonsense mediated decay, it is expected to disrupt the last 67 amino acid(s) of the WDR45 protein.

Literature cited by the submitters: PubMed 23176820.